The following is an entry in ClinVar:

ClinVar aggregate classification (germline): Uncertain significance (1 of 4 stars; one submission).

Conditions:
Polycystic kidney disease 2 (PKD2). Also called: POLYCYSTIC KIDNEY DISEASE, ADULT, TYPE II; Polycystic Kidney Disease 2, Autosomal Dominant; POLYCYSTIC KIDNEY DISEASE 2 WITH OR WITHOUT POLYCYSTIC LIVER DISEASE. Identifiers: MedGen C2751306, MONDO:0013131, OMIM 613095.

Submission:

Juno Genomics, Hangzhou Juno Genomics, Inc
Classification: Uncertain significance for Polycystic kidney disease 2. Review status: criteria provided, single submitter. Criteria: ACMG Guidelines, 2015. Collection method: clinical testing. Allele origin: germline. Affected: yes.
Comment: Absent from controls (or at extremely low frequency if recessive) in Genome Aggregation Database, Exome Sequencing Project, 1000 Genomes Project, or Exome Aggregation Consortium.;Multiple lines of computational evidence support a deleterious effect on the gene or gene product (conservation, evolutionary, splicing impact, etc).

NM_000297.4(PKD2):c.2533C>G (p.Arg845Gly)

Gene: PKD2 (polycystin 2, transient receptor potential cation channel; plus strand). Cytogenetic location: 4q22.1.
Variant type: single nucleotide variant.
Coding change: c.2533C>G on transcript NM_000297.4 (MANE Select); coding-DNA position 2533, C replaced by G.
Protein change: p.Arg845Gly; replaces arginine 845 with glycine.
Molecular consequence: missense variant. On other transcripts: non-coding transcript variant (1).
Genome position (GRCh38, 1-based): chr4:88,074,822, C>G. VCF-style: chr4-88074822-C-G. GRCh37 (hg19) VCF-style: chr4-88995974-C-G.
Other names: short protein forms R845G.
Identifiers: ClinVar variation 3382364 (VCV003382364.2).